The following is an entry in ClinVar:

ClinVar aggregate classification (germline): Conflicting classifications of pathogenicity. Review status: criteria provided, conflicting classifications (1 of 4 stars). 2 submissions from 2 submitters: Likely pathogenic (1); Uncertain significance (1). Last evaluated 2024-05-29.

Conditions:
KCNV2-related disorder. Also called: KCNV2-related condition.

gnomAD v4.1: 3 of 1,611,292 alleles (0.00019%); highest among the groups gnomAD compares: South Asian, 0.0011%; no homozygotes.

Submissions (2):

Labcorp Genetics (formerly Invitae), Labcorp
Classification: Uncertain significance. Last evaluated: 2024-05-29. Review status: criteria provided, single submitter. Criteria: Invitae Variant Classification Sherloc (09022015). Collection method: clinical testing. Allele origin: germline.
Comment: This sequence change replaces glutamic acid, which is acidic and polar, with lysine, which is basic and polar, at codon 184 of the KCNV2 protein (p.Glu184Lys). This variant is not present in population databases (gnomAD no frequency). This missense change has been observed in individual(s) with retinal cone dystrophy (PMID: 18235024). ClinVar contains an entry for this variant (Variation ID: 2136723). Advanced modeling of protein sequence and biophysical properties (such as structural, functional, and spatial information, amino acid conservation, physicochemical variation, residue mobility, and thermodynamic stability) performed at Invitae indicates that this missense variant is expected to disrupt KCNV2 protein function with a positive predictive value of 80%. Experimental studies have shown that this missense change does not substantially affect KCNV2 function (PMID: 21882291). This variant disrupts the p.Glu184 amino acid residue in KCNV2. Other variant(s) that disrupt this residue have been observed in individuals with KCNV2-related conditions (PMID: 18235024), which suggests that this may be a clinically significant amino acid residue. In summary, the available evidence is currently insufficient to determine the role of this variant in disease. Therefore, it has been classified as a Variant of Uncertain Significance.

Blueprint Genetics
Classification: Likely pathogenic for KCNV2-related disorders. Last evaluated: 2021-09-16. Review status: criteria provided, single submitter. Criteria: ACMG Guidelines, 2015. Collection method: clinical testing. Allele origin: germline. Affected: yes. Observed: 2 variant alleles.

Literature cited by the submitters: PubMed 18235024 (cited by Labcorp Genetics (formerly Invitae), Labcorp); PubMed 21882291 (cited by Labcorp Genetics (formerly Invitae), Labcorp).

NM_133497.4(KCNV2):c.550G>A (p.Glu184Lys)

Gene: KCNV2 (potassium voltage-gated channel modifier subfamily V member 2; plus strand). Cytogenetic location: 9p24.2.
Variant type: single nucleotide variant.
Coding change: c.550G>A on transcript NM_133497.4 (MANE Select); coding-DNA position 550, G replaced by A.
Protein change: p.Glu184Lys; replaces glutamic acid 184 with lysine.
Molecular consequence: missense variant.
Genome position (GRCh38, 1-based): chr9:2,718,289, G>A. VCF-style: chr9-2718289-G-A. GRCh37 (hg19) VCF-style: chr9-2718289-G-A.
Other names: short protein forms E184K.
Identifiers: ClinVar variation 2136723 (VCV002136723.5), dbSNP rs1012003891, ClinGen allele CA372798422.